The following is an entry in ClinVar:

ClinVar aggregate classification (germline): Pathogenic (1 of 4 stars; one submission).

Conditions:
Parathyroid carcinoma (PRTC). Also called: CDC73-Related Parathyroid Carcinoma; Parathyroid gland carcinoma. Identifiers: Orphanet 143, MedGen C0687150, MONDO:0012004, OMIM 608266, HP:0006780.

Submission:

Labcorp Genetics (formerly Invitae), Labcorp
Classification: Pathogenic for Parathyroid carcinoma. Last evaluated: 2024-10-06. Review status: criteria provided, single submitter. Criteria: Invitae Variant Classification Sherloc (09022015). Collection method: clinical testing. Allele origin: germline.
Comment: This sequence change creates a premature translational stop signal (p.Asn352Ilefs*12) in the CDC73 gene. It is expected to result in an absent or disrupted protein product. Loss-of-function variants in CDC73 are known to be pathogenic (PMID: 12434154). This variant is not present in population databases (gnomAD no frequency). This variant has not been reported in the literature in individuals affected with CDC73-related conditions. ClinVar contains an entry for this variant (Variation ID: 1923701). For these reasons, this variant has been classified as Pathogenic.

Literature cited by the submitters: PubMed 12434154.

NM_024529.5(CDC73):c.1055del (p.Asn352fs)

Gene: CDC73 (cell division cycle 73; plus strand). Cytogenetic location: 1q31.2.
Variant type: Deletion.
Coding change: c.1055del on transcript NM_024529.5 (MANE Select); coding-DNA position 1055, one base deleted (A; older notation c.1055delA).
Protein change: p.Asn352fs; shifts the reading frame from asparagine 352.
Molecular consequence: frameshift variant.
Genome position (GRCh38, 1-based): chr1:193,212,089, A deleted; the last of 3 consecutive A bases (chr1:193,212,087-193,212,089); deleting any one gives the same sequence. VCF-style (leftmost placement, unchanged base first): chr1-193212086-CA-C. GRCh37 (hg19) VCF-style: chr1-193181216-CA-C.
Other names: short protein forms N352fs.
Identifiers: ClinVar variation 1923701 (VCV001923701.5), dbSNP rs2527455766, ClinGen allele CA2580061754.